The following is an entry in ClinVar:

ClinVar aggregate classification (germline): Conflicting classifications of pathogenicity. Review status: criteria provided, conflicting classifications (1 of 4 stars). 5 submissions from 5 submitters: Uncertain significance (4); Likely benign (1). Last evaluated 2026-05-03.

Conditions:
Ehlers-Danlos syndrome, classic type, 1 (EDSCL1). Also called: Ehlers-Danlos Syndrome, Classic Type, COL5A1-Related; EDS I; EHLERS-DANLOS SYNDROME, GRAVIS TYPE; EHLERS-DANLOS SYNDROME, SEVERE CLASSIC TYPE; Ehlers-Danlos syndrome, type 1. Identifiers: MedGen C0268335, MONDO:0019567, OMIM 130000.
Familial thoracic aortic aneurysm and aortic dissection (TAAD). Also called: Thoracic aortic aneurysms and dissections. Identifiers: Orphanet 91387, MedGen C4707243, MONDO:0019625.

gnomAD v4.1: 27 of 1,613,838 alleles (0.0017%); highest among the groups gnomAD compares: Non-Finnish European, 0.0022%; no homozygotes.

Submissions (5):

Ambry Genetics
Classification: Likely benign for Familial thoracic aortic aneurysm and aortic dissection. Last evaluated: 2026-05-03. Review status: criteria provided, single submitter. Criteria: Ambry Variant Classification Scheme 2023. Collection method: clinical testing. Allele origin: germline.

CeGaT Center for Human Genetics Tuebingen
Classification: Uncertain significance. Last evaluated: 2026-04-01. Review status: criteria provided, single submitter. Criteria: CeGaT Center For Human Genetics Tuebingen Variant Classification Criteria Version 2. Collection method: clinical testing. Allele origin: germline. Affected: yes. Observed: 1 variant allele.
Comment: COL5A2: PP2, BP4

Labcorp Genetics (formerly Invitae), Labcorp
Classification: Uncertain significance for Ehlers-Danlos syndrome, classic type, 1. Last evaluated: 2026-01-30. Review status: criteria provided, single submitter. Criteria: Invitae Variant Classification Sherloc (09022015). Collection method: clinical testing. Allele origin: germline.
Comment: This sequence change replaces isoleucine, which is neutral and non-polar, with methionine, which is neutral and non-polar, at codon 1444 of the COL5A2 protein (p.Ile1444Met). This variant is present in population databases (rs138837670, gnomAD 0.004%). This variant has not been reported in the literature in individuals affected with COL5A2-related conditions. ClinVar contains an entry for this variant (Variation ID: 423963). Invitae Evidence Modeling of protein sequence and biophysical properties (such as structural, functional, and spatial information, amino acid conservation, physicochemical variation, residue mobility, and thermodynamic stability) indicates that this missense variant is not expected to disrupt COL5A2 protein function with a negative predictive value of 80%. In summary, the available evidence is currently insufficient to determine the role of this variant in disease. Therefore, it has been classified as a Variant of Uncertain Significance.

Mayo Clinic Laboratories, Mayo Clinic
Classification: Uncertain significance. Last evaluated: 2024-07-29. Review status: criteria provided, single submitter. Criteria: ACMG Guidelines, 2015. Collection method: clinical testing. Allele origin: germline. Observed: 1 variant allele.
Comment: BP4

GeneDx
Classification: Uncertain significance. Last evaluated: 2019-12-23. Review status: criteria provided, single submitter. Criteria: GeneDx Variant Classification Process June 2021. Collection method: clinical testing. Allele origin: germline. Affected: yes.
Comment: Has not been previously published as pathogenic or benign to our knowledge; Not observed at a significant frequency in large population cohorts (Lek et al., 2016); In silico analysis, which includes protein predictors and evolutionary conservation, supports that this variant does not alter protein structure/function; Not located in the triple helical region, where the majority of pathogenic missense variants occur (Symoens et al., 2012; Stenson et al., 2014)

NM_000393.5(COL5A2):c.4332C>G (p.Ile1444Met)

Gene: COL5A2 (collagen type V alpha 2 chain; minus strand). Cytogenetic location: 2q32.2.
Variant type: single nucleotide variant.
Coding change: c.4332C>G on transcript NM_000393.5 (MANE Select); coding-DNA position 4332, C replaced by G.
Protein change: p.Ile1444Met; replaces isoleucine 1444 with methionine.
Molecular consequence: missense variant.
Genome position (GRCh38, 1-based): chr2:189,034,937, G>C on the plus strand (C>G on the coding strand, the complement: COL5A2 is on the minus strand). VCF-style: chr2-189034937-G-C. GRCh37 (hg19) VCF-style: chr2-189899663-G-C.
Other names: p.Ile1444Met; short protein forms I1444M.
Identifiers: ClinVar variation 423963 (VCV000423963.8), dbSNP rs138837670, ClinGen allele CA2021818.